The following is an entry in ClinVar:

NM_016580.4(PCDH12):c.1776C>G (p.Ile592Met)

Genes: PCDH12 (protocadherin 12; minus strand), RNF14 (ring finger protein 14; plus strand). Cytogenetic location: 5q31.3.
Variant type: single nucleotide variant.
Coding change: c.1776C>G on transcript NM_016580.4 (MANE Select); coding-DNA position 1776, C replaced by G.
Protein change: p.Ile592Met; replaces isoleucine 592 with methionine.
Molecular consequence: missense variant.
Genome position (GRCh38, 1-based): chr5:141,956,076, G>C on the plus strand (C>G on the coding strand, the complement: PCDH12 is on the minus strand). VCF-style: chr5-141956076-G-C. GRCh37 (hg19) VCF-style: chr5-141335641-G-C.
Other names: short protein forms I592M.
Identifiers: ClinVar variation 1714832 (VCV001714832.5), dbSNP rs755197689, ClinGen allele CA361582191.
Genomic context (GRCh38, chr5:141,956,076, plus strand): 5'-GCTGTGAGTGGCCAGTGGAGGTGTGTCAGTGCCCGCTGGGCCCAAGCCATTGGGAGTCTC[G>C]ATGGGCACCAGCAGGTGGCCTGTGGAGGCATTCACAAGCACGGAGAGGCTGGCTTTTCCA-3'
Protein context (NP_057664.1, residues 582-602): NASTGHLLVP[Ile592Met]ETPNGLGPAG

ClinVar aggregate classification (germline): Uncertain significance (1 of 4 stars; one submission).

Submission:

Labcorp Genetics (formerly Invitae), Labcorp
Classification: Uncertain significance. Last evaluated: 2024-11-04. Review status: criteria provided, single submitter. Criteria: Invitae Variant Classification Sherloc (09022015). Collection method: clinical testing. Allele origin: germline.
Comment: This sequence change replaces isoleucine, which is neutral and non-polar, with methionine, which is neutral and non-polar, at codon 592 of the PCDH12 protein (p.Ile592Met). This variant is not present in population databases (gnomAD no frequency). This variant has not been reported in the literature in individuals affected with PCDH12-related conditions. ClinVar contains an entry for this variant (Variation ID: 1714832). Invitae Evidence Modeling of protein sequence and biophysical properties (such as structural, functional, and spatial information, amino acid conservation, physicochemical variation, residue mobility, and thermodynamic stability) indicates that this missense variant is not expected to disrupt PCDH12 protein function with a negative predictive value of 95%. In summary, the available evidence is currently insufficient to determine the role of this variant in disease. Therefore, it has been classified as a Variant of Uncertain Significance.